The following is an entry in ClinVar:

NM_001029883.3(PCARE):c.3705G>A (p.Pro1235=)

Gene: PCARE (photoreceptor cilium actin regulator; minus strand). Cytogenetic location: 2p23.2.
Variant type: single nucleotide variant.
Coding change: c.3705G>A on transcript NM_001029883.3 (MANE Select); coding-DNA position 3705, G replaced by A.
Protein change: p.Pro1235=; no amino-acid change (proline 1235 retained).
Molecular consequence: synonymous variant.
Genome position (GRCh38, 1-based): chr2:29,065,031, C>T on the plus strand (G>A on the coding strand, the complement: PCARE is on the minus strand). VCF-style: chr2-29065031-C-T. GRCh37 (hg19) VCF-style: chr2-29287897-C-T.
Identifiers: ClinVar variation 335636 (VCV000335636.36), dbSNP rs191767954, ClinGen allele CA1591846.

ClinVar aggregate classification (germline): Conflicting classifications of pathogenicity. Review status: criteria provided, conflicting classifications (1 of 4 stars). 4 submissions from 4 submitters: Uncertain significance (1); Likely benign (3). Last evaluated 2025-12-03.

Conditions:
Retinitis pigmentosa (RP). Identifiers: Orphanet 791, MedGen C0035334, MeSH D012174, MONDO:0019200, OMIM 268000. Inheritance: Autosomal dominant, autosomal recessive and X linked inheritance.

Allele frequency attached by ClinVar (database versions not stated): gnomAD 0.00019 and 0.00024; 1000 Genomes Project 0.00020; TOPMed 0.00025; gnomAD exomes 0.00028 and 0.00031; 1000 Genomes Project 30x 0.00031; ESP Exome Variant Server 0.00033; ExAC 0.00041.
gnomAD v4.1: 436 of 1,554,032 alleles (0.028%); highest among the groups gnomAD compares: Middle Eastern, 0.13%; no homozygotes.

Submissions (4):

Labcorp Genetics (formerly Invitae), Labcorp
Classification: Likely benign. Last evaluated: 2025-12-03. Review status: criteria provided, single submitter. Criteria: Invitae Variant Classification Sherloc (09022015). Collection method: clinical testing. Allele origin: germline.

CeGaT Center for Human Genetics Tuebingen
Classification: Likely benign. Last evaluated: 2025-05-01. Review status: criteria provided, single submitter. Criteria: CeGaT Center For Human Genetics Tuebingen Variant Classification Criteria Version 2. Collection method: clinical testing. Allele origin: germline. Affected: yes. Observed: 2 variant alleles.
Comment: PCARE: BP4, BP7

Blueprint Genetics
Classification: Likely benign. Last evaluated: 2024-10-14. Review status: criteria provided, single submitter. Criteria: ACMG Guidelines, 2015. Collection method: clinical testing. Allele origin: germline.

Illumina Laboratory Services, Illumina
Classification: Uncertain significance for Retinitis pigmentosa. Last evaluated: 2018-01-13. Review status: criteria provided, single submitter. Criteria: ICSL Variant Classification Criteria 13 December 2019. Collection method: clinical testing. Allele origin: germline.